The following is an entry in ClinVar:

ClinVar aggregate classification (germline): Uncertain significance (1 of 4 stars; one submission).

Conditions:
Hereditary sensory and autonomic neuropathy type 6. Also called: HSAN VI; Neuropathy, hereditary sensory and autonomic, type VI. Identifiers: Orphanet 314381, MedGen C3539003, MONDO:0013839, OMIM 614653.
Epidermolysis bullosa simplex 3, localized or generalized intermediate, with BP230 deficiency (EBS3). Also called: Epidermolysis bullosa simplex, autosomal recessive 2; Epidermolysis bullosa simplex due to BP230 deficiency. Identifiers: Orphanet 412181, MedGen C3809470, MONDO:0014180, OMIM 615425.

Allele frequency attached by ClinVar (database versions not stated): gnomAD exomes below 0.00001; ExAC 0.00001.
gnomAD v4.1: 4 of 1,613,856 alleles (0.00025%); highest among the groups gnomAD compares: African/African-American, 0.0013%; no homozygotes.

Submission:

Labcorp Genetics (formerly Invitae), Labcorp
Classification: Uncertain significance for Epidermolysis bullosa simplex 3, localized or generalized intermediate, with BP230 deficiency; Hereditary sensory and autonomic neuropathy type 6. Last evaluated: 2022-11-03. Review status: criteria provided, single submitter. Criteria: Invitae Variant Classification Sherloc (09022015). Collection method: clinical testing. Allele origin: germline.
Comment: Experimental studies and prediction algorithms are not available or were not evaluated, and the functional significance of this variant is currently unknown. In summary, the available evidence is currently insufficient to determine the role of this variant in disease. Therefore, it has been classified as a Variant of Uncertain Significance. This variant has not been reported in the literature in individuals affected with DST-related conditions. This variant is not present in population databases (gnomAD no frequency). This sequence change replaces glutamine, which is neutral and polar, with arginine, which is basic and polar, at codon 2128 of the DST protein (p.Gln2128Arg). The DST gene has multiple clinically relevant transcripts. This variant occurs in alternate transcript NM_015548.4, and corresponds to NM_001723.5:c.*54151A>G in the primary transcript.

NM_001374736.1(DST):c.14252A>G (p.Gln4751Arg)

Genes: DST (dystonin; minus strand), LOC129389544 (MPRA-validated peak5860 silencer; plus strand). Cytogenetic location: 6p12.1.
Variant type: single nucleotide variant.
Coding change: c.14252A>G on transcript NM_001374736.1 (MANE Select); coding-DNA position 14252, A replaced by G.
Protein change: p.Gln4751Arg; replaces glutamine 4751 with arginine.
Molecular consequence: missense variant.
Genome position (GRCh38, 1-based): chr6:56,561,366, T>C on the plus strand (A>G on the coding strand, the complement: DST is on the minus strand). VCF-style: chr6-56561366-T-C. GRCh37 (hg19) VCF-style: chr6-56426164-T-C.
Other names: c.7895A>G, p.Gln2632Arg (NM_001144769.5); c.7481A>G, p.Gln2494Arg (NM_001144770.2); c.14252A>G, p.Gln4751Arg (NM_001374722.1); c.13619A>G, p.Gln4540Arg (NM_001374729.1); c.7361A>G, p.Gln2454Arg (NM_001374730.1, NM_001386100.1, NM_183380.4); c.14279A>G, p.Gln4760Arg (NM_001374734.1); c.6383A>G, p.Gln2128Arg (NM_015548.5); short protein forms Q2494R, Q2632R, Q2128R, Q2454R, Q4540R, Q4751R, Q4760R.
Identifiers: ClinVar variation 1466950 (VCV001466950.6), dbSNP rs777674309, ClinGen allele CA3868069.